The following is an entry in ClinVar:

NM_016180.5(SLC45A2):c.1244T>C (p.Ile415Thr)

Gene: SLC45A2 (solute carrier family 45 member 2; minus strand). Cytogenetic location: 5p13.2.
Variant type: single nucleotide variant.
Coding change: c.1244T>C on transcript NM_016180.5 (MANE Select); coding-DNA position 1244, T replaced by C.
Protein change: p.Ile415Thr; replaces isoleucine 415 with threonine.
Molecular consequence: missense variant.
Genome position (GRCh38, 1-based): chr5:33,947,287, A>G on the plus strand (T>C on the coding strand, the complement: SLC45A2 is on the minus strand). VCF-style: chr5-33947287-A-G. GRCh37 (hg19) VCF-style: chr5-33947392-A-G.
Other names: c.1244T>C, p.Ile415Thr (NM_001012509.4); short protein forms I415T.
Identifiers: ClinVar variation 1338226 (VCV001338226.10), dbSNP rs112249076, ClinGen allele CA3225524.

ClinVar aggregate classification (germline): Uncertain significance. Review status: criteria provided, multiple submitters, no conflicts (2 of 4 stars). 4 submissions from 4 submitters: Uncertain significance (4). Last evaluated 2024-06-26.

Conditions:
SLC45A2-related disorder. Also called: SLC45A2-related condition.

Allele frequency attached by ClinVar (database versions not stated): TOPMed 0.00005; gnomAD exomes 0.00010 and 0.00015; ExAC 0.00018; gnomAD 0.00008 and 0.00007.
gnomAD v4.1: 153 of 1,614,254 alleles (0.0095%); highest among the groups gnomAD compares: South Asian, 0.013%; 1 homozygote.

Submissions (4):

Blueprint Genetics
Classification: Uncertain significance. Last evaluated: 2024-06-26. Review status: criteria provided, single submitter. Criteria: ACMG Guidelines, 2015. Collection method: clinical testing. Allele origin: germline.

PreventionGenetics, part of Exact Sciences
Classification: Uncertain significance for SLC45A2-related condition. Last evaluated: 2023-07-10. Review status: criteria provided, single submitter. Criteria: ACMG Guidelines, 2015. Collection method: clinical testing. Allele origin: germline.
Comment: The SLC45A2 c.1244T>C variant is predicted to result in the amino acid substitution p.Ile415Thr. To our knowledge, this variant has not been reported in the literature. This variant is reported in 0.032% of alleles in individuals of European (Finnish) descent in gnomAD. At this time, the clinical significance of this variant is uncertain due to the absence of conclusive functional and genetic evidence.

Labcorp Genetics (formerly Invitae), Labcorp
Classification: Uncertain significance. Last evaluated: 2022-06-04. Review status: criteria provided, single submitter. Criteria: Invitae Variant Classification Sherloc (09022015). Collection method: clinical testing. Allele origin: germline.
Comment: This sequence change replaces isoleucine, which is neutral and non-polar, with threonine, which is neutral and polar, at codon 415 of the SLC45A2 protein (p.Ile415Thr). This variant is present in population databases (rs112249076, gnomAD 0.03%). This variant has not been reported in the literature in individuals affected with SLC45A2-related conditions. ClinVar contains an entry for this variant (Variation ID: 1338226). Algorithms developed to predict the effect of missense changes on protein structure and function (SIFT, PolyPhen-2, Align-GVGD) all suggest that this variant is likely to be disruptive. In summary, the available evidence is currently insufficient to determine the role of this variant in disease. Therefore, it has been classified as a Variant of Uncertain Significance.

Genetic Services Laboratory, University of Chicago
Classification: Uncertain significance. Last evaluated: 2017-07-20. Review status: criteria provided, single submitter. Criteria: ACMG Guidelines, 2015. Collection method: clinical testing. Allele origin: germline. Affected: no.